The following is an entry in ClinVar:

ClinVar aggregate classification (germline): Pathogenic. Review status: criteria provided, multiple submitters, no conflicts (2 of 4 stars). 3 submissions from 3 submitters: Pathogenic (3). Last evaluated 2024-08-13.

Conditions:
Cardiovascular phenotype. Identifiers: MedGen CN230736.
Hypertrophic cardiomyopathy. Also called: HYPERTROPHIC MYOCARDIOPATHY. Identifiers: Orphanet 217569, MedGen C0007194, MeSH D002312, MONDO:0005045, HP:0001639.

Submissions (3):

Ambry Genetics
Classification: Pathogenic for Cardiovascular phenotype. Last evaluated: 2024-08-13. Review status: criteria provided, single submitter. Criteria: Ambry Variant Classification Scheme 2023. Collection method: clinical testing. Allele origin: germline.
Comment: The p.G1222* pathogenic mutation (also known as c.3664G>T), located in coding exon 33 of the MYBPC3 gene, results from a G to T substitution at nucleotide position 3664. This changes the amino acid from a glycine to a stop codon within coding exon 33. This variant is considered to be rare based on population cohorts in the Genome Aggregation Database (gnomAD). This alteration is expected to result in loss of function by premature protein truncation or nonsense-mediated mRNA decay. As such, this alteration is interpreted as a disease-causing mutation.

Labcorp Genetics (formerly Invitae), Labcorp
Classification: Pathogenic for Hypertrophic cardiomyopathy. Last evaluated: 2021-04-05. Review status: criteria provided, single submitter. Criteria: Invitae Variant Classification Sherloc (09022015). Collection method: clinical testing. Allele origin: germline.
Comment: Algorithms developed to predict the effect of sequence changes on RNA splicing suggest that this variant may create or strengthen a splice site, but this prediction has not been confirmed by published transcriptional studies. For these reasons, this variant has been classified as Pathogenic. This variant has not been reported in the literature in individuals with MYBPC3-related conditions. ClinVar contains an entry for this variant (Variation ID: 181016). This sequence change creates a premature translational stop signal (p.Gly1222*) in the MYBPC3 gene. It is expected to result in an absent or disrupted protein product. Loss-of-function variants in MYBPC3 are known to be pathogenic (PMID: 19574547). This variant is not present in population databases (ExAC no frequency).

GeneDx
Classification: Pathogenic. Last evaluated: 2017-08-02. Review status: criteria provided, single submitter. Criteria: GeneDx Variant Classification (06012015). Collection method: clinical testing. Allele origin: germline. Affected: yes.
Comment: The G1222X variant in the MYBPC3 gene has not been reported as a pathogenic or benign variant to our knowledge. This variant was not observed in either the Exome Aggregation Consortium or approximately 6,000 individuals of European and African American ancestry in the NHLBI Exome Sequencing Project, indicating it is not a common benign variant in these populations. The G1222X pathogenic variant is predicted to cause loss of normal protein function either by protein truncation or nonsense-mediated mRNA decay. Many other nonsense variants in the MYBPC3 gene have been reported in HGMD in association with HCM (Stenson et al., 2014). In summary, G1222X in the MYBPC3 gene is interpreted as a pathogenic variant.

Literature cited by the submitters: PubMed 19574547 (cited by Labcorp Genetics (formerly Invitae), Labcorp).

NM_000256.3(MYBPC3):c.3664G>T (p.Gly1222Ter)

Gene: MYBPC3 (myosin binding protein C3; minus strand). Cytogenetic location: 11p11.2.
Variant type: single nucleotide variant.
Coding change: c.3664G>T on transcript NM_000256.3 (MANE Select); coding-DNA position 3664, G replaced by T.
Protein change: p.Gly1222Ter; replaces glycine 1222 with a stop codon.
Molecular consequence: nonsense.
Genome position (GRCh38, 1-based): chr11:47,332,222, C>A on the plus strand (G>T on the coding strand, the complement: MYBPC3 is on the minus strand). VCF-style: chr11-47332222-C-A. GRCh37 (hg19) VCF-style: chr11-47353773-C-A.
Other names: p.G1222*:GGA>TGA; c.3664G>T, p.Gly1222Ter (LRG_386t1); short protein forms G1222*.
Identifiers: ClinVar variation 181016 (VCV000181016.8), dbSNP rs730880598, ClinGen allele CA014571.